The following is an entry in ClinVar:

ClinVar aggregate classification (germline): Uncertain significance (1 of 4 stars; one submission).

Conditions:
SPNS2-related disorder. Also called: SPNS2-related condition.

Submission:

PreventionGenetics, part of Exact Sciences
Classification: Uncertain significance for SPNS2-related condition. Last evaluated: 2026-05-13. Review status: criteria provided, single submitter. Criteria: ACMG Guidelines, 2015. Collection method: clinical testing. Allele origin: germline.
Comment: The SPNS2 c.1540_1541delinsGG variant is predicted to result in an in-frame deletion and insertion. To our knowledge, this variant has not been reported in the literature or in a large population database (gnomAD), indicating this variant is rare. At this time, the clinical significance of this variant is uncertain due to the absence of conclusive functional and genetic evidence.

NM_001124758.3(SPNS2):c.1540_1541delinsGG (p.Leu514Gly)

Gene: SPNS2 (SPNS lysolipid transporter 2, sphingosine-1-phosphate; plus strand). Cytogenetic location: 17p13.2.
Variant type: Indel.
Coding change: c.1540_1541delinsGG on transcript NM_001124758.3 (MANE Select); coding-DNA positions 1540 to 1541, CT replaced by GG.
Protein change: p.Leu514Gly; replaces leucine 514 with glycine.
Molecular consequence: missense variant.
Genome position (GRCh38, 1-based): chr17:4,536,359-4,536,360, CT replaced by GG. VCF-style: chr17-4536359-CT-GG. GRCh37 (hg19) VCF-style: chr17-4439654-CT-GG.
Other names: short protein forms L514G.
Identifiers: ClinVar variation 4988241 (VCV004988241.1).